The following is an entry in ClinVar:

NM_004958.4(MTOR):c.206A>G (p.His69Arg)

Gene: MTOR (mechanistic target of rapamycin kinase; minus strand). Cytogenetic location: 1p36.22.
Variant type: single nucleotide variant.
Coding change: c.206A>G on transcript NM_004958.4 (MANE Select); coding-DNA position 206, A replaced by G.
Protein change: p.His69Arg; replaces histidine 69 with arginine.
Molecular consequence: missense variant. On other transcripts: 5 prime UTR variant (1).
Genome position (GRCh38, 1-based): chr1:11,258,550, T>C on the plus strand (A>G on the coding strand, the complement: MTOR is on the minus strand). VCF-style: chr1-11258550-T-C. GRCh37 (hg19) VCF-style: chr1-11318607-T-C.
Other names: c.206A>G, p.His69Arg (NM_001386500.1); c.-934A>G (NM_001386501.1); short protein forms H69R.
Identifiers: ClinVar variation 4885191 (VCV004885191.2).

ClinVar aggregate classification (germline): Uncertain significance (1 of 4 stars; one submission).

Submission:

Dasa
Classification: Uncertain significance. Last evaluated: 2025-03-20. Review status: criteria provided, single submitter. Criteria: DASA Assertion Criteria. Collection method: clinical testing. Allele origin: germline.
Comment: NM_004958.4(MTOR):c.206A>G (p.His69Arg) is a missense variant that results in the substitution of histidine with arginine. This variant is absent from population databases. Computational prediction algorithms are consistent with a benign effect. The currently available literature and clinical evidence are not sufficient to establish a definitive association between this variant and the reported condition. Therefore, this variant is classified as a variant of uncertain significance.